The following is an entry in ClinVar:

NM_003611.3(OFD1):c.839_840del (p.Lys280fs)

Gene: OFD1 (OFD1 centriole and centriolar satellite protein; plus strand). Cytogenetic location: Xp22.2.
Variant type: Deletion.
Coding change: c.839_840del on transcript NM_003611.3 (MANE Select); coding-DNA positions 839 to 840, 2 bases deleted (AA; older notation c.839_840delAA).
Protein change: p.Lys280fs; shifts the reading frame from lysine 280.
Molecular consequence: frameshift variant.
Genome position (GRCh38, 1-based): chrX:13,749,437-13,749,438, AA deleted; deleting any 2 consecutive bases within chrX:13,749,435-13,749,438 gives the same sequence; the c. name uses the placement nearest the transcript's 3' end. VCF-style (leftmost placement, unchanged base first): chrX-13749434-CAA-C. GRCh37 (hg19) VCF-style: chrX-13767553-CAA-C.
Other names: c.839_840del, p.Lys280fs (NM_001330209.2); c.419_420del, p.Lys140fs (NM_001330210.2); short protein forms K140fs, K280fs.
Identifiers: ClinVar variation 1709820 (VCV001709820.2), dbSNP rs312262852, ClinGen allele CA344043.
Genomic context (GRCh38, chrX:13,749,434, plus strand): 5'-TCTGTTTTGCTTTCATTAGCTTGCTTGCTAAAAATTAATGCTTTTCTATACAGATTGAAA[CAA>C]AAGAAATTTATGCTCAAAGGCAACTTTTACTAAAAGATATGGATTTGCTAAGAGGAAGAG-3'

ClinVar aggregate classification (germline): Pathogenic (1 of 4 stars; one submission).

Conditions:
Orofaciodigital syndrome I (OFD1). Also called: Papillon-Leage and Psaume Syndrome; Oral-Facial-Digital Syndrome Type I; OFDS I. Identifiers: Orphanet 2750, MedGen C1510460, MONDO:0010702, OMIM 311200.

Submission:

MGZ Medical Genetics Center
Classification: Pathogenic for Orofaciodigital syndrome I. Last evaluated: 2021-07-29. Review status: criteria provided, single submitter. Criteria: ACMG Guidelines, 2015. Collection method: clinical testing. Allele origin: germline. Affected: yes. Observed: 1 variant allele.
Comment: ACMG criteria applied: PVS1, PM6, PM2_SUP